The following is an entry in ClinVar:

ClinVar aggregate classification (germline): Uncertain significance (1 of 4 stars; one submission).

Submission:

Labcorp Genetics (formerly Invitae), Labcorp
Classification: Uncertain significance. Last evaluated: 2025-12-10. Review status: criteria provided, single submitter. Criteria: Invitae Variant Classification Sherloc (09022015). Collection method: clinical testing. Allele origin: germline.
Comment: This sequence change replaces glutamine, which is neutral and polar, with histidine, which is basic and polar, at codon 978 of the DUOX2 protein (p.Gln978His). This variant is not present in population databases (gnomAD no frequency). This variant has not been reported in the literature in individuals affected with DUOX2-related conditions. Invitae Evidence Modeling of protein sequence and biophysical properties (such as structural, functional, and spatial information, amino acid conservation, physicochemical variation, residue mobility, and thermodynamic stability) indicates that this missense variant is not expected to disrupt DUOX2 protein function with a negative predictive value of 95%. In summary, the available evidence is currently insufficient to determine the role of this variant in disease. Therefore, it has been classified as a Variant of Uncertain Significance.

NM_001363711.2(DUOX2):c.2934G>C (p.Gln978His)

Gene: DUOX2 (dual oxidase 2; minus strand). Cytogenetic location: 15q21.1.
Variant type: single nucleotide variant.
Coding change: c.2934G>C on transcript NM_001363711.2 (MANE Select); coding-DNA position 2934, G replaced by C.
Protein change: p.Gln978His; replaces glutamine 978 with histidine.
Molecular consequence: missense variant.
Genome position (GRCh38, 1-based): chr15:45,100,826, C>G on the plus strand (G>C on the coding strand, the complement: DUOX2 is on the minus strand). VCF-style: chr15-45100826-C-G. GRCh37 (hg19) VCF-style: chr15-45393024-C-G.
Other names: c.2934G>C, p.Gln978His (NM_014080.5); short protein forms Q978H.
Identifiers: ClinVar variation 4808224 (VCV004808224.1).
Genomic context (GRCh38, chr15:45,100,826, plus strand): 5'-CCTCTTCTTCAGTCCAGGGCCTCCCAGCTCTGGGGCTTCTGGGGCAGGGGGCCCCAGTCC[C>G]TGGGGGTGGGAGCTGAGAAAAAGAAATGGGGCTGTTCTCCCCTTGTCTTTGCAGCCAGGA-3'
Protein context (NP_001350640.1, residues 968-988): TRTPGERSHP[Gln978His]GLGPPAPEAP